The following is an entry in ClinVar:

ClinVar aggregate classification (germline): Uncertain significance. Review status: criteria provided, multiple submitters, no conflicts (2 of 4 stars). 2 submissions from 2 submitters: Uncertain significance (2). Last evaluated 2024-05-09.

Conditions:
Cardiovascular phenotype. Identifiers: MedGen CN230736.
Progressive familial heart block type IB (PFHB1B). Identifiers: Orphanet 871, MedGen C1970298, MONDO:0011474, OMIM 604559.

Allele frequency attached by ClinVar (database versions not stated): gnomAD exomes 0.00001; TOPMed 0.00001.
gnomAD v4.1: 3 of 1,554,752 alleles (0.00019%); highest among the groups gnomAD compares: Non-Finnish European, 0.00026%; no homozygotes.

Submissions (2):

Labcorp Genetics (formerly Invitae), Labcorp
Classification: Uncertain significance for Progressive familial heart block type IB. Last evaluated: 2024-05-09. Review status: criteria provided, single submitter. Criteria: Invitae Variant Classification Sherloc (09022015). Collection method: clinical testing. Allele origin: germline.
Comment: This sequence change replaces alanine, which is neutral and non-polar, with serine, which is neutral and polar, at codon 778 of the TRPM4 protein (p.Ala778Ser). The frequency data for this variant in the population databases is considered unreliable, as metrics indicate poor data quality at this position in the gnomAD database. This variant has not been reported in the literature in individuals affected with TRPM4-related conditions. ClinVar contains an entry for this variant (Variation ID: 1789743). Algorithms developed to predict the effect of missense changes on protein structure and function output the following: SIFT: "Not Available"; PolyPhen-2: "Possibly Damaging"; Align-GVGD: "Not Available". The serine amino acid residue is found in multiple mammalian species, which suggests that this missense change does not adversely affect protein function. In summary, the available evidence is currently insufficient to determine the role of this variant in disease. Therefore, it has been classified as a Variant of Uncertain Significance.

Ambry Genetics
Classification: Uncertain significance for Cardiovascular phenotype. Last evaluated: 2017-02-14. Review status: criteria provided, single submitter. Criteria: Ambry Variant Classification Scheme 2023. Collection method: clinical testing. Allele origin: germline.
Comment: The p.A778S variant (also known as c.2332G>T), located in coding exon 17 of the TRPM4 gene, results from a G to T substitution at nucleotide position 2332. The alanine at codon 778 is replaced by serine, an amino acid with similar properties. This amino acid position is highly conserved in available vertebrate species; however, serine is the reference amino acid in other vertebrate species. In addition, this alteration is predicted to be tolerated by in silico analysis. Since supporting evidence is limited at this time, the clinical significance of this alteration remains unclear.

NM_017636.4(TRPM4):c.2332G>T (p.Ala778Ser)

Gene: TRPM4 (transient receptor potential cation channel subfamily M member 4; plus strand). Cytogenetic location: 19q13.33.
Variant type: single nucleotide variant.
Coding change: c.2332G>T on transcript NM_017636.4 (MANE Select); coding-DNA position 2332, G replaced by T.
Protein change: p.Ala778Ser; replaces alanine 778 with serine.
Molecular consequence: missense variant. On other transcripts: intron variant (1).
Genome position (GRCh38, 1-based): chr19:49,196,561, G>T. VCF-style: chr19-49196561-G-T. GRCh37 (hg19) VCF-style: chr19-49699818-G-T.
Other names: c.1987G>T, p.Ala663Ser (NM_001321281.2); c.724G>T, p.Ala242Ser (NM_001321282.2); c.1810G>T, p.Ala604Ser (NM_001321283.2); c.1270G>T, p.Ala424Ser (NM_001321285.2); c.2211-3739G>T (NM_001195227.2); short protein forms A242S, A778S, A424S, A604S, A663S.
Identifiers: ClinVar variation 1789743 (VCV001789743.7), dbSNP rs1374008451, ClinGen allele CA406808892.
Genomic context (GRCh38, chr19:49,196,561, plus strand): 5'-TGCTGCGGGGGCCGCTGCGGGGGGCGCCGGTGCCTACGCCGCTGGTTCCACTTCTGGGGC[G>T]CGCCGGTGACCATCTTCATGGGCAACGTGGTCAGCTACCTGCTGTTCCTGCTGCTTTTCT-3'
Protein context (NP_060106.2, residues 768-788): CLRRWFHFWG[Ala778Ser]PVTIFMGNVV